The following is an entry in ClinVar:

ClinVar aggregate classification (germline): Uncertain significance. Review status: criteria provided, multiple submitters, no conflicts (2 of 4 stars). 2 submissions from 2 submitters: Uncertain significance (2). Last evaluated 2024-10-14.

Conditions:
Oligodontia-cancer predisposition syndrome. Also called: TOOTH AGENESIS-COLORECTAL CANCER SYNDROME. Identifiers: Orphanet 300576, MedGen C1837750, MONDO:0012075, OMIM 608615. Disease mechanism: loss of function.
Hereditary cancer-predisposing syndrome. Also called: Hereditary neoplastic syndrome; Neoplastic Syndromes, Hereditary; Tumor predisposition; Hereditary Cancer Syndrome. Identifiers: Orphanet 140162, MedGen C0027672, MeSH D009386, MONDO:0015356.

Submissions (2):

Ambry Genetics
Classification: Uncertain significance for Hereditary cancer-predisposing syndrome. Last evaluated: 2024-10-14. Review status: criteria provided, single submitter. Criteria: Ambry Variant Classification Scheme 2023. Collection method: clinical testing. Allele origin: germline.
Comment: The c.1144_1149delAAGCTG variant (also known as p.K382_L383del) is located in coding exon 4 of the AXIN2 gene. This variant results from an in-frame AAGCTG deletion at nucleotide positions 1144 to 1149. This results in the in-frame deletion of the lysine and leucine residues at codons 382 and 383. This alteration has been reported as a germline finding in an individual with neuroblastoma (Lasorsa VA et al. Oncotarget, 2016 Apr;7:21840-52). This amino acid region is not well conserved in available vertebrate species. In addition, this alteration is predicted to be deleterious by in silico analysis (Choi Y et al. PLoS ONE. 2012; 7(10):e46688). Based on the available evidence, the clinical significance of this variant remains unclear.

Labcorp Genetics (formerly Invitae), Labcorp
Classification: Uncertain significance for Oligodontia-cancer predisposition syndrome. Last evaluated: 2022-08-08. Review status: criteria provided, single submitter. Criteria: Invitae Variant Classification Sherloc (09022015). Collection method: clinical testing. Allele origin: germline.
Comment: ClinVar contains an entry for this variant (Variation ID: 947299). In summary, the available evidence is currently insufficient to determine the role of this variant in disease. Therefore, it has been classified as a Variant of Uncertain Significance. Experimental studies and prediction algorithms are not available or were not evaluated, and the functional significance of this variant is currently unknown. This variant has been observed in individual(s) with a neuroblastoma (PMID: 27009842). This variant is present in population databases (no rsID available, gnomAD 0.003%). This variant, c.1144_1149del, results in the deletion of 2 amino acid(s) of the AXIN2 protein (p.Lys382_Leu383del), but otherwise preserves the integrity of the reading frame.

Literature cited by the submitters: PubMed 27009842 (cited by Ambry Genetics and Labcorp Genetics (formerly Invitae), Labcorp).

NM_004655.4(AXIN2):c.1138AAGCTG[1] (p.380KL[1])

Gene: AXIN2 (axin 2; minus strand). Cytogenetic location: 17q24.1.
Variant type: Microsatellite.
Coding change: c.1138AAGCTG[1] on transcript NM_004655.4 (MANE Select); one copy of the 6-base unit AAGCTG starting at c.1138; the reference has two copies in a row; one copy, 6 bases deleted.
Protein change: p.380KL[1].
Molecular consequence: inframe deletion.
Genome position (GRCh38, 1-based): chr17:65,538,254-65,538,259, CAGCTT deleted on the plus strand (AAGCTG on the coding strand, the reverse complement: AXIN2 is on the minus strand); deleting any 6 consecutive bases within chr17:65,538,254-65,538,265 gives the same sequence; the position shown is the placement nearest the transcript's 3' end. VCF-style (leftmost placement, unchanged base first): chr17-65538253-CCAGCTT-C. GRCh37 (hg19) VCF-style: chr17-63534371-CCAGCTT-C.
Other names: c.1144_1149delAAGCTG (NM_004655.3); c.1138AAGCTG[1], p.380KL[1] (NM_001363813.1).
Identifiers: ClinVar variation 947299 (VCV000947299.12), dbSNP rs1459191371, ClinGen allele CA627152239.